The following is an entry in ClinVar:

ClinVar aggregate classification (germline): Uncertain significance (1 of 4 stars; one submission).

Conditions:
TMEM132E-related disorder. Also called: TMEM132E-related condition.

Submission:

PreventionGenetics, part of Exact Sciences
Classification: Uncertain significance for TMEM132E-related condition. Last evaluated: 2026-09-02. Review status: criteria provided, single submitter. Criteria: ACMG Guidelines, 2015. Collection method: clinical testing. Allele origin: germline.
Comment: The TMEM132E c.1767G>A variant is not predicted to result in an amino acid change (p.=). This variant is predicted to alter splicing based on an available splicing prediction program (SpliceAI, Jaganathan et al. 2019. PubMed ID: 30661751). However, the use of computer prediction programs is not equivalent to functional evidence. To our knowledge, this variant has not been reported in the literature. This variant is reported in 0.00088% of alleles in individuals of European (Non-Finnish) descent in gnomAD. At this time, the clinical significance of this variant is uncertain due to the absence of conclusive functional and genetic evidence.

NM_001304438.2(TMEM132E):c.1767G>A (p.Gln589=)

Gene: TMEM132E (transmembrane protein 132E; plus strand). Cytogenetic location: 17q12.
Variant type: single nucleotide variant.
Coding change: c.1767G>A on transcript NM_001304438.2 (MANE Select); coding-DNA position 1767, G replaced by A.
Protein change: p.Gln589=; no amino-acid change (glutamine 589 retained).
Molecular consequence: synonymous variant.
Genome position (GRCh38, 1-based): chr17:34,634,877, G>A. VCF-style: chr17-34634877-G-A. GRCh37 (hg19) VCF-style: chr17-32961896-G-A.
Identifiers: ClinVar variation 4978151 (VCV004978151.1).